The following is an entry in ClinVar:

NM_005422.4(TECTA):c.2367G>A (p.Lys789=)

Genes: TBCEL-TECTA (TBCEL-TECTA readthrough; plus strand), TECTA (tectorin alpha; plus strand). Cytogenetic location: 11q23.3.
Variant type: single nucleotide variant.
Coding change: c.2367G>A on transcript NM_005422.4 (MANE Select); coding-DNA position 2367, G replaced by A.
Protein change: p.Lys789=; no amino-acid change (lysine 789 retained).
Molecular consequence: synonymous variant.
Genome position (GRCh38, 1-based): chr11:121,128,344, G>A. VCF-style: chr11-121128344-G-A. GRCh37 (hg19) VCF-style: chr11-120999053-G-A.
Other names: c.3324G>A, p.Lys1108= (NM_001378761.1).
Identifiers: ClinVar variation 1065051 (VCV001065051.3), dbSNP rs1448260319, ClinGen allele CA477211679.

ClinVar aggregate classification (germline): Likely pathogenic (1 of 4 stars; one submission).

Conditions:
Hearing impairment. Also called: Impaired Hearing. Identifiers: MedGen C1384666, MONDO:0005365, HP:0000365.

Allele frequency attached by ClinVar (database versions not stated): TOPMed below 0.00001; gnomAD 0.00001.
gnomAD v4.1: 1 of 1,599,326 alleles (0.000063%); highest among the groups gnomAD compares: Non-Finnish European, 0.000085%; no homozygotes.

Submission:

Department of Otolaryngology – Head & Neck Surgery, Cochlear Implant Center
Classification: Likely pathogenic for Hearing impairment. Last evaluated: 2021-04-12. Review status: criteria provided, single submitter. Criteria: ClinGen HL ACMG Specifications v1. Collection method: clinical testing. Allele origin: germline. Affected: yes.
Comment: PVS1_Strong, PM2_Moderate